The following is an entry in ClinVar:

ClinVar aggregate classification (germline): Uncertain significance (1 of 4 stars; one submission).

Conditions:
Char syndrome (CHAR). Also called: PATENT DUCTUS ARTERIOSUS WITH FACIAL DYSMORPHISM AND ABNORMAL FIFTH DIGITS. Identifiers: Orphanet 46627, MedGen C1868570, MONDO:0008209, OMIM 169100.
Patent ductus arteriosus 2 (PDA2). Identifiers: MedGen C4284595, MONDO:0014878, OMIM 617035.

Submission:

Juno Genomics, Hangzhou Juno Genomics, Inc
Classification: Uncertain significance for Char syndrome; Patent ductus arteriosus 2. Review status: criteria provided, single submitter. Criteria: ACMG Guidelines, 2015. Collection method: clinical testing. Allele origin: germline.
Comment: Absent from controls (or at extremely low frequency if recessive) in Genome Aggregation Database.;Multiple lines of computational evidence support a deleterious effect on the gene or gene product.

NM_003221.4(TFAP2B):c.1225G>A (p.Ala409Thr)

Gene: TFAP2B (transcription factor AP-2 beta; plus strand). Cytogenetic location: 6p12.3.
Variant type: single nucleotide variant.
Coding change: c.1225G>A on transcript NM_003221.4 (MANE Select); coding-DNA position 1225, G replaced by A.
Protein change: p.Ala409Thr; replaces alanine 409 with threonine.
Molecular consequence: missense variant.
Genome position (GRCh38, 1-based): chr6:50,843,234, G>A. VCF-style: chr6-50843234-G-A. GRCh37 (hg19) VCF-style: chr6-50810947-G-A.
Other names: short protein forms A409T.
Identifiers: ClinVar variation 5019671 (VCV005019671.2).
Genomic context (GRCh38, chr6:50,843,234, plus strand): 5'-CCGGGGATCCAGAGCTGCCTCACGCACTTCAGCCTCATCACGCACGGCTTCGGCGCCCCG[G>A]CCATTTGCGCCGCGCTCACGGCCCTGCAGAACTATCTCACCGAGGCGCTCAAAGGCATGG-3'
Protein context (NP_003212.2, residues 399-419): SLITHGFGAP[Ala409Thr]ICAALTALQN